The following is an entry in ClinVar:

NM_001372066.1(TFAP2A):c.1093C>A (p.Arg365=)

Gene: TFAP2A (transcription factor AP-2 alpha; minus strand). Cytogenetic location: 6p24.3.
Variant type: single nucleotide variant.
Coding change: c.1093C>A on transcript NM_001372066.1 (MANE Select); coding-DNA position 1093, C replaced by A.
Protein change: p.Arg365=; no amino-acid change (arginine 365 retained).
Molecular consequence: synonymous variant.
Genome position (GRCh38, 1-based): chr6:10,398,644, G>T on the plus strand (C>A on the coding strand, the complement: TFAP2A is on the minus strand). VCF-style: chr6-10398644-G-T. GRCh37 (hg19) VCF-style: chr6-10398877-G-T.
Other names: c.1069C>A, p.Arg357= (NM_001032280.3); c.1075C>A, p.Arg359= (NM_001042425.3).
Identifiers: ClinVar variation 2673044 (VCV002673044.23), dbSNP rs2532348804, ClinGen allele CA362699388.

ClinVar aggregate classification (germline): Likely benign (1 of 4 stars; one submission).

Allele frequency attached by ClinVar (database versions not stated): gnomAD exomes below 0.00001.
gnomAD v4.1: 1 of 1,614,198 alleles (0.000062%); highest among the groups gnomAD compares: South Asian, 0.0011%; no homozygotes.

Submission:

CeGaT Center for Human Genetics Tuebingen
Classification: Likely benign. Last evaluated: 2023-11-01. Review status: criteria provided, single submitter. Criteria: CeGaT Center For Human Genetics Tuebingen Variant Classification Criteria Version 2. Collection method: clinical testing. Allele origin: germline. Affected: yes. Observed: 1 variant allele.
Comment: TFAP2A: PM2:Supporting, BP4, BP7